The following is an entry in ClinVar:

ClinVar aggregate classification (germline): Uncertain significance (1 of 4 stars; one submission).

Allele frequency attached by ClinVar (database versions not stated): gnomAD exomes below 0.00001; ExAC 0.00002.
gnomAD v4.1: 6 of 1,614,034 alleles (0.00037%); highest among the groups gnomAD compares: Non-Finnish European, 0.00051%; no homozygotes.

Submission:

Ambry Genetics
Classification: Uncertain significance. Last evaluated: 2024-05-24. Review status: criteria provided, single submitter. Criteria: Ambry Variant Classification Scheme 2023. Collection method: clinical testing. Allele origin: germline.
Comment: The p.S363A variant (also known as c.1087T>G), located in coding exon 7 of the IDH1 gene, results from a T to G substitution at nucleotide position 1087. The serine at codon 363 is replaced by alanine, an amino acid with similar properties. This amino acid position is conserved. In addition, this alteration is predicted to be tolerated by in silico analysis. Since supporting evidence is limited at this time, the clinical significance of this alteration remains unclear.

NM_005896.4(IDH1):c.1087T>G (p.Ser363Ala)

Gene: IDH1 (isocitrate dehydrogenase (NADP(+)) 1; minus strand). Cytogenetic location: 2q34.
Variant type: single nucleotide variant.
Coding change: c.1087T>G on transcript NM_005896.4 (MANE Select); coding-DNA position 1087, T replaced by G.
Protein change: p.Ser363Ala; replaces serine 363 with alanine.
Molecular consequence: missense variant.
Genome position (GRCh38, 1-based): chr2:208,239,138, A>C on the plus strand (T>G on the coding strand, the complement: IDH1 is on the minus strand). VCF-style: chr2-208239138-A-C. GRCh37 (hg19) VCF-style: chr2-209103862-A-C.
Other names: c.1087T>G, p.Ser363Ala (NM_001282386.1, NM_001282387.1); short protein forms S363A.
Identifiers: ClinVar variation 1788047 (VCV001788047.3), dbSNP rs770226824, ClinGen allele CA2078820.
Genomic context (GRCh38, chr2:208,239,138, plus strand): 5'-AACCTTTAATGCAAGCAGCCAAGTCCTTGGTCATGAAGCCAGCCTCAATTGTCTCAATAG[A>C]GACTTCTTCCAAAGCATTTGCAAAGAAGGCAAGCTCTTTATTGTTATCAAGCTTTGCTCT-3'
Protein context (NP_005887.2, residues 353-373): AFFANALEEV[Ser363Ala]IETIEAGFMT